The following is an entry in ClinVar:

ClinVar aggregate classification (germline): Likely benign. Review status: criteria provided, multiple submitters, no conflicts (2 of 4 stars). 3 submissions from 3 submitters: Likely benign (2). 1 of the submissions does not count toward it. Last evaluated 2025-12-16.

Conditions:
Inborn genetic diseases. Identifiers: MedGen C0950123, MeSH D030342.
VPS13B-related disorder. Also called: VPS13B-related condition.
Cohen syndrome (COH1). Also called: PEPPER SYNDROME; Cutis verticis gyrata, retinitis pigmentosa, and sensorineural deafness. Identifiers: Orphanet 193, MedGen C0265223, MONDO:0008999, OMIM 216550.

Allele frequency attached by ClinVar (database versions not stated): gnomAD exomes below 0.00001 and 0.00002; ExAC 0.00002; gnomAD 0.00005; TOPMed 0.00006; 1000 Genomes Project 0.00020; 1000 Genomes Project 30x 0.00031.
gnomAD v4.1: 13 of 1,613,414 alleles (0.00081%); highest among the groups gnomAD compares: African/African-American, 0.015%; no homozygotes.

Submissions (3):

Labcorp Genetics (formerly Invitae), Labcorp
Classification: Likely benign for Cohen syndrome. Last evaluated: 2025-12-16. Review status: criteria provided, single submitter. Criteria: Invitae Variant Classification Sherloc (09022015). Collection method: clinical testing. Allele origin: germline.

Ambry Genetics
Classification: Likely benign for Inborn genetic diseases. Last evaluated: 2018-04-25. Review status: criteria provided, single submitter. Criteria: Ambry Variant Classification Scheme 2023. Collection method: clinical testing. Allele origin: germline.

PreventionGenetics, part of Exact Sciences
Classification: Likely benign for VPS13B-related condition. Last evaluated: 2021-09-23. Review status: no assertion criteria provided. Collection method: clinical testing. Allele origin: germline. Not counted in ClinVar's aggregate classification.
Comment: This variant is classified as likely benign based on ACMG/AMP sequence variant interpretation guidelines (Richards et al. 2015 PMID: 25741868, with internal and published modifications).

NM_152564.5(VPS13B):c.3180T>C (p.Val1060=)

Gene: VPS13B (vacuolar protein sorting 13 homolog B; plus strand). Cytogenetic location: 8q22.2.
Variant type: single nucleotide variant.
Coding change: c.3180T>C on transcript NM_152564.5 (MANE Select); coding-DNA position 3180, T replaced by C.
Protein change: p.Val1060=; no amino-acid change (valine 1060 retained).
Molecular consequence: synonymous variant.
Genome position (GRCh38, 1-based): chr8:99,431,634, T>C. VCF-style: chr8-99431634-T-C. GRCh37 (hg19) VCF-style: chr8-100443862-T-C.
Other names: c.3180T>C, p.Val1060= (NM_017890.5); c.3180T>C (NM_152564.4).
Identifiers: ClinVar variation 1079612 (VCV001079612.12), dbSNP rs528478636, ClinGen allele CA4823184.